The following is an entry in ClinVar:

ClinVar aggregate classification (germline): Uncertain significance (1 of 4 stars; one submission).

Conditions:
Hereditary cancer-predisposing syndrome. Also called: Tumor predisposition; Hereditary Cancer Syndrome; Hereditary neoplastic syndrome; Neoplastic Syndromes, Hereditary. Identifiers: Orphanet 140162, MedGen C0027672, MeSH D009386, MONDO:0015356.

Submission:

Ambry Genetics
Classification: Uncertain significance for Hereditary cancer-predisposing syndrome. Last evaluated: 2023-07-26. Review status: criteria provided, single submitter. Criteria: Ambry Variant Classification Scheme 2023. Collection method: clinical testing. Allele origin: germline.
Comment: The p.V247A variant (also known as c.740T>C), located in coding exon 9 of the RAD51D gene, results from a T to C substitution at nucleotide position 740. The valine at codon 247 is replaced by alanine, an amino acid with similar properties. This amino acid position is conserved. In addition, the in silico prediction for this alteration is inconclusive. Since supporting evidence is limited at this time, the clinical significance of this alteration remains unclear.

NM_002878.4(RAD51D):c.740T>C (p.Val247Ala)

Genes: RAD51L3-RFFL (RAD51L3-RFFL readthrough; minus strand), RAD51D (RAD51 paralog D; minus strand). Cytogenetic location: 17q12.
Variant type: single nucleotide variant.
Coding change: c.740T>C on transcript NM_002878.4 (MANE Select); coding-DNA position 740, T replaced by C.
Protein change: p.Val247Ala; replaces valine 247 with alanine.
Molecular consequence: missense variant. On other transcripts: non-coding transcript variant (3).
Genome position (GRCh38, 1-based): chr17:35,101,364, A>G on the plus strand (T>C on the coding strand, the complement: RAD51D is on the minus strand). VCF-style: chr17-35101364-A-G. GRCh37 (hg19) VCF-style: chr17-33428383-A-G.
Other names: c.800T>C, p.Val267Ala (NM_001142571.2); c.404T>C, p.Val135Ala (NM_133629.3); short protein forms V247A, V267A, V135A.
Identifiers: ClinVar variation 2625297 (VCV002625297.2), dbSNP rs2142412589, ClinGen allele CA399086990.